The following is an entry in ClinVar:

ClinVar aggregate classification (germline): Likely pathogenic (1 of 4 stars; one submission).

Submission:

GeneDx
Classification: Likely pathogenic. Last evaluated: 2023-08-24. Review status: criteria provided, single submitter. Criteria: GeneDx Variant Classification Process June 2021. Collection method: clinical testing. Allele origin: germline. Affected: yes.
Comment: Not observed at significant frequency in large population cohorts (gnomAD); In silico analysis supports that this missense variant has a deleterious effect on protein structure/function; Has not been previously published as pathogenic or benign to our knowledge

NM_001370100.5(ZMYND11):c.1768T>C (p.Trp590Arg)

Gene: ZMYND11 (zinc finger MYND-type containing 11; plus strand). Cytogenetic location: 10p15.3.
Variant type: single nucleotide variant.
Coding change: c.1768T>C on transcript NM_001370100.5 (MANE Select); coding-DNA position 1768, T replaced by C.
Protein change: p.Trp590Arg; replaces tryptophan 590 with arginine.
Molecular consequence: missense variant. On other transcripts: non-coding transcript variant (1).
Genome position (GRCh38, 1-based): chr10:252,429, T>C. VCF-style: chr10-252429-T-C. GRCh37 (hg19) VCF-style: chr10-298369-T-C.
Other names: c.1606T>C, p.Trp536Arg (NM_001202464.3, NM_001370103.2, NM_001370104.2 and 5 more transcripts); c.1513T>C, p.Trp505Arg (NM_001202465.3, NM_001370110.2); c.1603T>C, p.Trp535Arg (NM_001202466.3, NM_001370111.2); c.1717T>C, p.Trp573Arg (NM_001330057.3, NM_001370112.2); c.1768T>C, p.Trp590Arg (NM_001370097.3, NM_001370098.2, NM_001370099.2 and 3 more transcripts); c.1675T>C, p.Trp559Arg (NM_001370113.2, NM_001370114.2); c.1765T>C, p.Trp589Arg (NM_001370115.2); c.1702T>C, p.Trp568Arg (NM_001370116.2); and 8 more; short protein forms W433R, W471R, W488R, W496R, W505R, W514R, W535R, W536R.
Identifiers: ClinVar variation 3362053 (VCV003362053.1).
Genomic context (GRCh38, chr10:252,429, plus strand): 5'-GCCATGTACCACTGCTGCTGGAACACATCCTACTGCTCCATCAAGTGCCAGCAGGAGCAC[T>C]GGCACGCGGAGCACAAGCGCACCTGCCGCCGGAAAAGATGAAGCTGGCCCTTCCCGGAGT-3'
Protein context (NP_001357029.1, residues 580-600): YCSIKCQQEH[Trp590Arg]HAEHKRTCRR